The following is an entry in ClinVar:

ClinVar aggregate classification (germline): Pathogenic (1 of 4 stars; one submission).

Submission:

Quest Diagnostics Nichols Institute San Juan Capistrano
Classification: Pathogenic. Last evaluated: 2022-07-05. Review status: criteria provided, single submitter. Criteria: ACMG/ClinGen CNV Guidelines, 2019. Collection method: clinical testing. Allele origin: unknown.
Comment: The copy number loss of 6q14.1 involves multiple protein-coding genes, including PHIP (OMIM 612870) and ELOVL4 (OMIM 605512). Heterozygous deletions spanning PHIP are associated with autosomal dominant Chung-Jansen syndrome (CHUJANS; OMIM 617991). In addition, heterozygous loss-of-function variants of ELOVL4 have been associated with autosomal dominant Stargardt disease-3 (STGD3; OMIM 600110). There are no similar copy number losses of this region in the general populations of the Database of Genomic Variants. Therefore, based on current medical literature and gene content, this copy number variant (CNV) is classified as pathogenic.

GRCh37/hg19 6q14.1(chr6:79199356-80915988)x1

Genes: TTK (TTK protein kinase; plus strand), BCKDHB (branched chain keto acid dehydrogenase E1 subunit beta; plus strand), ELOVL4 (ELOVL fatty acid elongase 4; minus strand), HMGN3 (high mobility group nucleosomal binding domain 3; minus strand), IRAK1BP1 (interleukin 1 receptor associated kinase 1 binding protein 1; plus strand) and 4 more. Cytogenetic location: 6q14.1.
Variant type: copy number loss.
Change: copy number 1 (one copy instead of two) of chr6:79,199,356-80,915,988 (1.72 Mb, GRCh37 coordinates, 1-based), cytogenetic band 6q14.1.
Identifiers: ClinVar variation 2685207 (VCV002685207.1).